The following is an entry in ClinVar:

ClinVar aggregate classification (germline): Uncertain significance (1 of 4 stars; one submission).

Conditions:
Baller-Gerold syndrome (BGS). Also called: CRANIOSYNOSTOSIS WITH RADIAL DEFECTS. Identifiers: Orphanet 1225, MedGen C0265308, MONDO:0009039, OMIM 218600.

Allele frequency attached by ClinVar (database versions not stated): gnomAD 0.00001; ExAC 0.00004.
gnomAD v4.1: 7 of 1,585,490 alleles (0.00044%); highest among the groups gnomAD compares: East Asian, 0.016%; no homozygotes.

Submission:

Labcorp Genetics (formerly Invitae), Labcorp
Classification: Uncertain significance for Baller-Gerold syndrome. Last evaluated: 2025-09-20. Review status: criteria provided, single submitter. Criteria: Invitae Variant Classification Sherloc (09022015). Collection method: clinical testing. Allele origin: germline.
Comment: This sequence change replaces valine, which is neutral and non-polar, with leucine, which is neutral and non-polar, at codon 896 of the RECQL4 protein (p.Val896Leu). This variant is present in population databases (rs762644049, gnomAD 0.02%). This variant has not been reported in the literature in individuals affected with RECQL4-related conditions. ClinVar contains an entry for this variant (Variation ID: 459422). Invitae Evidence Modeling of protein sequence and biophysical properties (such as structural, functional, and spatial information, amino acid conservation, physicochemical variation, residue mobility, and thermodynamic stability) indicates that this missense variant is not expected to disrupt RECQL4 protein function with a negative predictive value of 80%. In summary, the available evidence is currently insufficient to determine the role of this variant in disease. Therefore, it has been classified as a Variant of Uncertain Significance.

NM_004260.4(RECQL4):c.2686G>C (p.Val896Leu)

Gene: RECQL4 (RecQ like helicase 4; minus strand). Cytogenetic location: 8q24.3.
Variant type: single nucleotide variant.
Coding change: c.2686G>C on transcript NM_004260.4 (MANE Select); coding-DNA position 2686, G replaced by C.
Protein change: p.Val896Leu; replaces valine 896 with leucine.
Molecular consequence: missense variant.
Genome position (GRCh38, 1-based): chr8:144,512,916, C>G on the plus strand (G>C on the coding strand, the complement: RECQL4 is on the minus strand). VCF-style: chr8-144512916-C-G. GRCh37 (hg19) VCF-style: chr8-145738299-C-G.
Other names: short protein forms V896L.
Identifiers: ClinVar variation 459422 (VCV000459422.7), dbSNP rs762644049, ClinGen allele CA4948149.